The following is an entry in ClinVar:

NM_198578.4(LRRK2):c.7303T>A (p.Leu2435Ile)

Gene: LRRK2 (leucine rich repeat kinase 2; plus strand). Cytogenetic location: 12q12.
Variant type: single nucleotide variant.
Coding change: c.7303T>A on transcript NM_198578.4 (MANE Select); coding-DNA position 7303, T replaced by A.
Protein change: p.Leu2435Ile; replaces leucine 2435 with isoleucine.
Molecular consequence: missense variant.
Genome position (GRCh38, 1-based): chr12:40,364,963, T>A. VCF-style: chr12-40364963-T-A. GRCh37 (hg19) VCF-style: chr12-40758765-T-A.
Other names: short protein forms L2435I.
Identifiers: ClinVar variation 3540622 (VCV003540622.1).

ClinVar aggregate classification (germline): Uncertain significance (1 of 4 stars; one submission).

Conditions:
Inborn genetic diseases. Identifiers: MedGen C0950123, MeSH D030342.

gnomAD v4.1: 6 of 1,612,712 alleles (0.00037%); highest among the groups gnomAD compares: Non-Finnish European, 0.00051%; no homozygotes.

Submission:

Ambry Genetics
Classification: Uncertain significance for Inborn genetic diseases. Last evaluated: 2024-08-12. Review status: criteria provided, single submitter. Criteria: Ambry Variant Classification Scheme 2023. Collection method: clinical testing. Allele origin: germline.
Comment: The p.L2435I variant (also known as c.7303T>A), located in coding exon 49 of the LRRK2 gene, results from a T to A substitution at nucleotide position 7303. The leucine at codon 2435 is replaced by isoleucine, an amino acid with highly similar properties. This amino acid position is conserved. In addition, this alteration is predicted to be tolerated by in silico analysis. Based on the available evidence, the clinical significance of this variant remains unclear.